The following is an entry in ClinVar:

ClinVar aggregate classification (germline): Uncertain significance (1 of 4 stars; one submission).

Submission:

GeneDx
Classification: Uncertain significance. Last evaluated: 2024-01-24. Review status: criteria provided, single submitter. Criteria: GeneDx Variant Classification Process June 2021. Collection method: clinical testing. Allele origin: germline. Affected: yes.
Comment: Not observed at significant frequency in large population cohorts (gnomAD); In silico analysis supports that this missense variant has a deleterious effect on protein structure/function; Has not been previously published as pathogenic or benign to our knowledge

NM_032188.3(KAT8):c.704C>G (p.Pro235Arg)

Gene: KAT8 (lysine acetyltransferase 8; plus strand). Cytogenetic location: 16p11.2.
Variant type: single nucleotide variant.
Coding change: c.704C>G on transcript NM_032188.3 (MANE Select); coding-DNA position 704, C replaced by G.
Protein change: p.Pro235Arg; replaces proline 235 with arginine.
Molecular consequence: missense variant.
Genome position (GRCh38, 1-based): chr16:31,128,072, C>G. VCF-style: chr16-31128072-C-G. GRCh37 (hg19) VCF-style: chr16-31139393-C-G.
Other names: c.704C>G, p.Pro235Arg (NM_182958.4); short protein forms P235R.
Identifiers: ClinVar variation 3368299 (VCV003368299.1).